The following is an entry in ClinVar:

NM_000626.4(CD79B):c.646G>C (p.Gly216Arg)

Genes: CD79B (CD79b molecule; minus strand), GH-LCR (growth hormone locus control region; plus strand). Cytogenetic location: 17q23.3.
Variant type: single nucleotide variant.
Coding change: c.646G>C on transcript NM_000626.4 (MANE Select); coding-DNA position 646, G replaced by C.
Protein change: p.Gly216Arg; replaces glycine 216 with arginine.
Molecular consequence: missense variant.
Genome position (GRCh38, 1-based): chr17:63,929,270, C>G on the plus strand (G>C on the coding strand, the complement: CD79B is on the minus strand). VCF-style: chr17-63929270-C-G. GRCh37 (hg19) VCF-style: chr17-62006630-C-G.
Other names: c.649G>C, p.Gly217Arg (NM_001039933.3); c.337G>C, p.Gly113Arg (NM_001329050.2); c.334G>C, p.Gly112Arg (NM_021602.4); c.646G>C (NM_000626.2); short protein forms G113R, G112R, G216R, G217R.
Identifiers: ClinVar variation 955155 (VCV000955155.6), dbSNP rs777266345, ClinGen allele CA8708463.

ClinVar aggregate classification (germline): Uncertain significance. Review status: criteria provided, multiple submitters, no conflicts (2 of 4 stars). 2 submissions from 2 submitters: Uncertain significance (2). Last evaluated 2022-12-16.

Conditions:
Agammaglobulinemia 6, autosomal recessive (AGM6). Also called: AGAMMAGLOBULINEMIA, AUTOSOMAL RECESSIVE, DUE TO CD79B DEFECT; AGAMMAGLOBULINEMIA 6. Identifiers: MedGen C3150207, MONDO:0012987, OMIM 612692.

Allele frequency attached by ClinVar (database versions not stated): gnomAD 0.00003 and 0.00004; TOPMed 0.00003; gnomAD exomes 0.00006 and 0.00015; ExAC 0.00030.
gnomAD v4.1: 92 of 1,614,020 alleles (0.0057%); highest among the groups gnomAD compares: Non-Finnish European, 0.0068%; no homozygotes.

Submissions (2):

Ambry Genetics
Classification: Uncertain significance. Last evaluated: 2022-12-16. Review status: criteria provided, single submitter. Criteria: Ambry Variant Classification Scheme 2023. Collection method: clinical testing. Allele origin: germline.

Labcorp Genetics (formerly Invitae), Labcorp
Classification: Uncertain significance for Agammaglobulinemia 6, autosomal recessive. Last evaluated: 2022-08-10. Review status: criteria provided, single submitter. Criteria: Invitae Variant Classification Sherloc (09022015). Collection method: clinical testing. Allele origin: germline.
Comment: This sequence change replaces glycine, which is neutral and non-polar, with arginine, which is basic and polar, at codon 216 of the CD79B protein (p.Gly216Arg). This variant is present in population databases (rs777266345, gnomAD 0.03%). This variant has not been reported in the literature in individuals affected with CD79B-related conditions. ClinVar contains an entry for this variant (Variation ID: 955155). Algorithms developed to predict the effect of missense changes on protein structure and function are either unavailable or do not agree on the potential impact of this missense change (SIFT: "Not Available"; PolyPhen-2: "Probably Damaging"; Align-GVGD: "Not Available"). In summary, the available evidence is currently insufficient to determine the role of this variant in disease. Therefore, it has been classified as a Variant of Uncertain Significance.